The following is an entry in ClinVar:

NM_014484.5(MOCS3):c.796G>A (p.Gly266Ser)

Gene: MOCS3 (molybdenum cofactor synthesis 3; plus strand). Cytogenetic location: 20q13.13.
Variant type: single nucleotide variant.
Coding change: c.796G>A on transcript NM_014484.5 (MANE Select); coding-DNA position 796, G replaced by A.
Protein change: p.Gly266Ser; replaces glycine 266 with serine.
Molecular consequence: missense variant.
Genome position (GRCh38, 1-based): chr20:50,959,638, G>A. VCF-style: chr20-50959638-G-A. GRCh37 (hg19) VCF-style: chr20-49576175-G-A.
Other names: short protein forms G266S.
Identifiers: ClinVar variation 3659633 (VCV003659633.2).

ClinVar aggregate classification (germline): Uncertain significance (1 of 4 stars; one submission).

gnomAD v4.1: 1 of 1,614,202 alleles (0.000062%); highest among the groups gnomAD compares: East Asian, 0.0022%; no homozygotes.

Submission:

Labcorp Genetics (formerly Invitae), Labcorp
Classification: Uncertain significance. Last evaluated: 2024-07-16. Review status: criteria provided, single submitter. Criteria: Invitae Variant Classification Sherloc (09022015). Collection method: clinical testing. Allele origin: germline.
Comment: This sequence change replaces glycine, which is neutral and non-polar, with serine, which is neutral and polar, at codon 266 of the MOCS3 protein (p.Gly266Ser). This variant is not present in population databases (gnomAD no frequency). This variant has not been reported in the literature in individuals affected with MOCS3-related conditions. An algorithm developed to predict the effect of missense changes on protein structure and function (PolyPhen-2) suggests that this variant is likely to be tolerated. In summary, the available evidence is currently insufficient to determine the role of this variant in disease. Therefore, it has been classified as a Variant of Uncertain Significance.